The following is an entry in ClinVar:

NM_001366244.2(GOLGA2):c.2137C>T (p.Arg713Trp)

Gene: GOLGA2 (golgin A2; minus strand). Cytogenetic location: 9q34.11.
Variant type: single nucleotide variant.
Coding change: c.2137C>T on transcript NM_001366244.2 (MANE Select); coding-DNA position 2137, C replaced by T.
Protein change: p.Arg713Trp; replaces arginine 713 with tryptophan.
Molecular consequence: missense variant.
Genome position (GRCh38, 1-based): chr9:128,259,043, G>A on the plus strand (C>T on the coding strand, the complement: GOLGA2 is on the minus strand). VCF-style: chr9-128259043-G-A. GRCh37 (hg19) VCF-style: chr9-131021322-G-A.
Other names: c.2056C>T (NM_004486.4); c.2056C>T, p.Arg686Trp (NM_001366246.2, NM_004486.6); c.2122C>T, p.Arg708Trp (NM_001389695.2); c.2119C>T, p.Arg707Trp (NM_001389696.2); c.2044C>T, p.Arg682Trp (NM_001389697.2); c.2038C>T, p.Arg680Trp (NM_001389698.2); c.2017C>T, p.Arg673Trp (NM_001389699.2, NM_001389700.2); c.1975C>T, p.Arg659Trp (NM_001389701.2); and 5 more; short protein forms R555W, R562W, R646W, R651W, R659W, R673W, R680W, R682W.
Identifiers: ClinVar variation 2659530 (VCV002659530.26), dbSNP rs72756867, ClinGen allele CA5258847.

ClinVar aggregate classification (germline): Conflicting classifications of pathogenicity. Review status: criteria provided, conflicting classifications (1 of 4 stars). 4 submissions from 4 submitters: Uncertain significance (1); Likely benign (2). 1 of the submissions does not count toward it. Last evaluated 2025-10-22.

Conditions:
GOLGA2-related disorder. Also called: GOLGA2-related condition.

Allele frequency attached by ClinVar (database versions not stated): 1000 Genomes Project 0.00060; 1000 Genomes Project 30x 0.00078; TOPMed 0.00097; ESP Exome Variant Server 0.00131; gnomAD exomes 0.00149; gnomAD 0.00161; ExAC 0.00200.
gnomAD v4.1: 2,412 of 1,610,430 alleles (0.15%); highest among the groups gnomAD compares: Non-Finnish European, 0.18%; 9 homozygotes.

Submissions (4):

Ambry Genetics
Classification: Uncertain significance. Last evaluated: 2025-10-22. Review status: criteria provided, single submitter. Criteria: Ambry Variant Classification Scheme 2023. Collection method: clinical testing. Allele origin: germline.

Blueprint Genetics
Classification: Likely benign. Last evaluated: 2024-11-26. Review status: criteria provided, single submitter. Criteria: ACMG Guidelines, 2015. Collection method: clinical testing. Allele origin: germline.

CeGaT Center for Human Genetics Tuebingen
Classification: Likely benign. Last evaluated: 2023-02-01. Review status: criteria provided, single submitter. Criteria: CeGaT Center For Human Genetics Tuebingen Variant Classification Criteria Version 2. Collection method: clinical testing. Allele origin: germline. Affected: yes. Observed: 1 variant allele.
Comment: GOLGA2: BP4

PreventionGenetics, part of Exact Sciences
Classification: Likely benign for GOLGA2-related condition. Last evaluated: 2022-07-12. Review status: no assertion criteria provided. Collection method: clinical testing. Allele origin: germline. Not counted in ClinVar's aggregate classification.
Comment: This variant is classified as likely benign based on ACMG/AMP sequence variant interpretation guidelines (Richards et al. 2015 PMID: 25741868, with internal and published modifications).